The following is an entry in ClinVar:

ClinVar aggregate classification (germline): Conflicting classifications of pathogenicity. Review status: criteria provided, conflicting classifications (1 of 4 stars). 3 submissions from 3 submitters: Uncertain significance (1); Likely benign (2). Last evaluated 2024-03-17.

Conditions:
Inborn genetic diseases. Identifiers: MedGen C0950123, MeSH D030342.
Long chain 3-hydroxyacyl-CoA dehydrogenase deficiency. Also called: Deficiency of long-chain 3-hydroxyacyl-coenzyme A dehydrogenase; LCHAD Deficiency. Identifiers: Orphanet 5, MedGen C3711645, MONDO:0012173, OMIM 609016.
Mitochondrial trifunctional protein deficiency. Identifiers: Orphanet 746, MedGen C1969443, MONDO:0012172.

Allele frequency attached by ClinVar (database versions not stated): ExAC 0.00001; gnomAD exomes 0.00001 and 0.00004; gnomAD 0.00003; TOPMed 0.00003; 1000 Genomes Project 30x 0.00016; 1000 Genomes Project 0.00020.
gnomAD v4.1: 17 of 1,613,896 alleles (0.0011%); highest among the groups gnomAD compares: East Asian, 0.036%; no homozygotes.

Submissions (3):

Labcorp Genetics (formerly Invitae), Labcorp
Classification: Likely benign for Mitochondrial trifunctional protein deficiency; Long chain 3-hydroxyacyl-CoA dehydrogenase deficiency. Last evaluated: 2024-03-17. Review status: criteria provided, single submitter. Criteria: Invitae Variant Classification Sherloc (09022015). Collection method: clinical testing. Allele origin: germline.

Ambry Genetics
Classification: Likely benign for Inborn genetic diseases. Last evaluated: 2023-10-06. Review status: criteria provided, single submitter. Criteria: Ambry Variant Classification Scheme 2023. Collection method: clinical testing. Allele origin: germline.

Baylor Genetics
Classification: Uncertain significance for Long chain 3-hydroxyacyl-CoA dehydrogenase deficiency. Last evaluated: 2019-06-24. Review status: criteria provided, single submitter. Criteria: ACMG Guidelines, 2015. Collection method: clinical testing. Allele origin: unknown. Affected: yes.
Comment: This variant was determined to be of uncertain significance according to ACMG Guidelines, 2015 [PMID:25741868].

NM_000182.5(HADHA):c.1174G>A (p.Ala392Thr)

Genes: HADHA (hydroxyacyl-CoA dehydrogenase trifunctional multienzyme complex subunit alpha; minus strand), GAREM2 (GRB2 associated regulator of MAPK1 subtype 2; plus strand). Cytogenetic location: 2p23.3.
Variant type: single nucleotide variant.
Coding change: c.1174G>A on transcript NM_000182.5 (MANE Select); coding-DNA position 1174, G replaced by A.
Protein change: p.Ala392Thr; replaces alanine 392 with threonine.
Molecular consequence: missense variant.
Genome position (GRCh38, 1-based): chr2:26,204,108, C>T on the plus strand (G>A on the coding strand, the complement: HADHA is on the minus strand). VCF-style: chr2-26204108-C-T. GRCh37 (hg19) VCF-style: chr2-26426977-C-T.
Other names: short protein forms A392T.
Identifiers: ClinVar variation 1029697 (VCV001029697.7), dbSNP rs534553558, ClinGen allele CA1559651.